The following is an entry in ClinVar:

NM_002246.3(KCNK3):c.451C>T (p.Arg151Cys)

Gene: KCNK3 (potassium two pore domain channel subfamily K member 3; plus strand). Cytogenetic location: 2p23.3.
Variant type: single nucleotide variant.
Coding change: c.451C>T on transcript NM_002246.3 (MANE Select); coding-DNA position 451, C replaced by T.
Protein change: p.Arg151Cys; replaces arginine 151 with cysteine.
Molecular consequence: missense variant.
Genome position (GRCh38, 1-based): chr2:26,727,834, C>T. VCF-style: chr2-26727834-C-T. GRCh37 (hg19) VCF-style: chr2-26950702-C-T.
Other names: short protein forms R151C.
Identifiers: ClinVar variation 3730818 (VCV003730818.2).

ClinVar aggregate classification (germline): Uncertain significance (1 of 4 stars; one submission).

Conditions:
Pulmonary hypertension, primary, 4. Identifiers: Orphanet 422, MedGen C3809198, MONDO:0014136, OMIM 615344.

Submission:

Labcorp Genetics (formerly Invitae), Labcorp
Classification: Uncertain significance for Pulmonary hypertension, primary, 4. Last evaluated: 2024-03-02. Review status: criteria provided, single submitter. Criteria: Invitae Variant Classification Sherloc (09022015). Collection method: clinical testing. Allele origin: germline.
Comment: This sequence change replaces arginine, which is basic and polar, with cysteine, which is neutral and slightly polar, at codon 151 of the KCNK3 protein (p.Arg151Cys). This variant is present in population databases (no rsID available, gnomAD 0.007%). This variant has not been reported in the literature in individuals affected with KCNK3-related conditions. Advanced modeling of protein sequence and biophysical properties (such as structural, functional, and spatial information, amino acid conservation, physicochemical variation, residue mobility, and thermodynamic stability) performed at Invitae indicates that this missense variant is not expected to disrupt KCNK3 protein function with a negative predictive value of 80%. In summary, the available evidence is currently insufficient to determine the role of this variant in disease. Therefore, it has been classified as a Variant of Uncertain Significance.